The following is an entry in ClinVar:

ClinVar aggregate classification (germline): Uncertain significance (1 of 4 stars; one submission).

Conditions:
Autosomal dominant limb-girdle muscular dystrophy type 1G (LGMDD3). Also called: Limb-girdle muscular dystrophy, type 1G; MUSCULAR DYSTROPHY, LIMB-GIRDLE, AUTOSOMAL DOMINANT 3. Identifiers: Orphanet 55596, MedGen C1836765, MONDO:0012193, OMIM 609115.

Submission:

Labcorp Genetics (formerly Invitae), Labcorp
Classification: Uncertain significance for Autosomal dominant limb-girdle muscular dystrophy type 1G. Last evaluated: 2022-02-02. Review status: criteria provided, single submitter. Criteria: Invitae Variant Classification Sherloc (09022015). Collection method: clinical testing. Allele origin: germline.
Comment: In summary, the available evidence is currently insufficient to determine the role of this variant in disease. Therefore, it has been classified as a Variant of Uncertain Significance. Experimental studies and prediction algorithms are not available or were not evaluated, and the functional significance of this variant is currently unknown. This variant has been observed in individual(s) with clinical features of HNRNPDL-related conditions (Invitae). Information on the frequency of this variant in the gnomAD database is not available, as this variant may be reported differently in the database. This variant, c.1236_1237delinsAA, is a complex sequence change that results in the deletion of 2 and insertion of 2 amino acid(s) in the HNRNPDL protein (p.Asn412_His413delinsLysAsn).

NM_031372.4(HNRNPDL):c.1236_1237delinsAA (p.Asn412_His413delinsLysAsn)

Gene: HNRNPDL (heterogeneous nuclear ribonucleoprotein D like; minus strand). Cytogenetic location: 4q21.22.
Variant type: Indel.
Coding change: c.1236_1237delinsAA on transcript NM_031372.4 (MANE Select); coding-DNA positions 1236 to 1237, TC replaced by AA.
Protein change: p.Asn412_His413delinsLysAsn.
Molecular consequence: missense variant. On other transcripts: non-coding transcript variant (1).
Genome position (GRCh38, 1-based): chr4:82,426,085-82,426,086, GA replaced by TT on the plus strand (TC replaced by AA on the coding strand, the reverse complement: HNRNPDL is on the minus strand). VCF-style: chr4-82426085-GA-TT. GRCh37 (hg19) VCF-style: chr4-83347238-GA-TT.
Other names: c.1065_1066delinsAA, p.Asn355_His356delinsLysAsn (NM_001207000.1).
Identifiers: ClinVar variation 1396348 (VCV001396348.8), dbSNP rs2110027258, ClinGen allele CA2573138425.
Genomic context (GRCh38, chr4:82,426,085, plus strand): 5'-TCTTATACACACCTGTTTTCTCCAATGTTCTCCTTTAGTATGGCTGGTAATTGTTTTGGT[GA>TT]TTGCCACCCCCTCGAGATGCCTTGCCATAAGTGCTCTGTTGGCCTATTTTGAAAACACAG-3'